The following is an entry in ClinVar:

ClinVar aggregate classification (germline): Uncertain significance (1 of 4 stars; one submission).

Conditions:
2-aminoadipic 2-oxoadipic aciduria (AAKAD). Also called: ALPHA-AMINOADIPIC AND ALPHA-KETOADIPIC ACIDURIA; Aminoadipic aciduria. Identifiers: Orphanet 79154, MedGen C1859817, MONDO:0008774, OMIM 204750.

gnomAD v4.1: 2 of 1,613,048 alleles (0.00012%); highest among the groups gnomAD compares: Admixed American, 0.0017%; no homozygotes.

Submission:

Labcorp Genetics (formerly Invitae), Labcorp
Classification: Uncertain significance for 2-aminoadipic 2-oxoadipic aciduria. Last evaluated: 2025-02-28. Review status: criteria provided, single submitter. Criteria: Invitae Variant Classification Sherloc (09022015). Collection method: clinical testing. Allele origin: germline.
Comment: This sequence change replaces tyrosine, which is neutral and polar, with phenylalanine, which is neutral and non-polar, at codon 190 of the DHTKD1 protein (p.Tyr190Phe). This variant is not present in population databases (gnomAD no frequency). This variant has not been reported in the literature in individuals affected with DHTKD1-related conditions. ClinVar contains an entry for this variant (Variation ID: 2160081). An algorithm developed to predict the effect of missense changes on protein structure and function (PolyPhen-2) suggests that this variant is likely to be disruptive. In summary, the available evidence is currently insufficient to determine the role of this variant in disease. Therefore, it has been classified as a Variant of Uncertain Significance.

NM_018706.7(DHTKD1):c.569A>T (p.Tyr190Phe)

Gene: DHTKD1 (dehydrogenase E1 and transketolase domain containing 1; plus strand). Cytogenetic location: 10p14.
Variant type: single nucleotide variant.
Coding change: c.569A>T on transcript NM_018706.7 (MANE Select); coding-DNA position 569, A replaced by T.
Protein change: p.Tyr190Phe; replaces tyrosine 190 with phenylalanine.
Molecular consequence: missense variant.
Genome position (GRCh38, 1-based): chr10:12,087,581, A>T. VCF-style: chr10-12087581-A-T. GRCh37 (hg19) VCF-style: chr10-12129580-A-T.
Other names: short protein forms Y190F.
Identifiers: ClinVar variation 2160081 (VCV002160081.4), dbSNP rs773584681, ClinGen allele CA376018023.
Genomic context (GRCh38, chr10:12,087,581, plus strand): 5'-ATGATGTTCTGCAGGAGTTTGACCACTTTCTGGCCACCAAGTTCTCGACAGTGAAGCGAT[A>T]TGGAGGCGAAGGGGCTGAAAGCATGATGGGCTTTTTCCACGAGCTGCTGAAAATGTCGGC-3'
Protein context (NP_061176.4, residues 180-200): LATKFSTVKR[Tyr190Phe]GGEGAESMMG